The following is an entry in ClinVar:

ClinVar aggregate classification (germline): Uncertain significance (1 of 4 stars; one submission).

Submission:

GeneDx
Classification: Uncertain significance. Last evaluated: 2023-11-17. Review status: criteria provided, single submitter. Criteria: GeneDx Variant Classification Process June 2021. Collection method: clinical testing. Allele origin: germline. Affected: yes.
Comment: Not observed at significant frequency in large population cohorts (gnomAD); In silico analysis supports that this missense variant does not alter protein structure/function; Has not been previously published as pathogenic or benign to our knowledge

NM_001371623.1(TCOF1):c.3995T>C (p.Val1332Ala)

Gene: TCOF1 (treacle ribosome biogenesis factor 1; plus strand). Cytogenetic location: 5q32.
Variant type: single nucleotide variant.
Coding change: c.3995T>C on transcript NM_001371623.1 (MANE Select); coding-DNA position 3995, T replaced by C.
Protein change: p.Val1332Ala; replaces valine 1332 with alanine.
Molecular consequence: missense variant.
Genome position (GRCh38, 1-based): chr5:150,396,492, T>C. VCF-style: chr5-150396492-T-C. GRCh37 (hg19) VCF-style: chr5-149776055-T-C.
Other names: c.3761T>C, p.Val1254Ala (NM_000356.4); c.3992T>C, p.Val1331Ala (NM_001135243.2); c.3881T>C, p.Val1294Ala (NM_001135244.2); c.3764T>C, p.Val1255Ala (NM_001135245.2); c.3878T>C, p.Val1293Ala (NM_001195141.2); short protein forms V1254A, V1255A, V1293A, V1294A, V1331A, V1332A.
Identifiers: ClinVar variation 3363812 (VCV003363812.1).
Genomic context (GRCh38, chr5:150,396,492, plus strand): 5'-TGCAGGCCTCAGTGGTGAAGGTCCTGACTGAGCTGCTGGAACAGGAAAGAAAGAAGGTGG[T>C]GGACACCACCAAGGAGAGCAGCAGGAAGGGCTGGGAGAGCCGCAAGCGGAAGCTATCGGG-3'
Protein context (NP_001358552.1, residues 1322-1342): ELLEQERKKV[Val1332Ala]DTTKESSRKG